The following is an entry in ClinVar:

NM_004281.4(BAG3):c.181-9T>A

Gene: BAG3 (BAG cochaperone 3; plus strand). Cytogenetic location: 10q26.11.
Variant type: single nucleotide variant.
Coding change: c.181-9T>A on transcript NM_004281.4 (MANE Select); 9 bases into the intron before coding-DNA position 181, T replaced by A.
Molecular consequence: intron variant.
Genome position (GRCh38, 1-based): chr10:119,669,842, T>A. VCF-style: chr10-119669842-T-A. GRCh37 (hg19) VCF-style: chr10-121429354-T-A.
Other names: p.?.
Identifiers: ClinVar variation 136491 (VCV000136491.35), dbSNP rs139232658, ClinGen allele CA289663.
Genomic context (GRCh38, chr10:119,669,842, plus strand): 5'-GTTTCCTCTGCCAGGAGGGTTCACTTCCCAGTTTCTAACCAGCCTGTGTTTCTCCACTTT[T>A]TATTTCAGGAGACTCCATCCTCTGCCAATGGCCCTTCCCGGGAGGGCTCTAGGCTGCCGC-3'

ClinVar aggregate classification (germline): Benign/Likely benign. Review status: criteria provided, multiple submitters, no conflicts (2 of 4 stars). 14 submissions from 14 submitters: Benign (8); Likely benign (1). 5 of the submissions do not count toward it. Last evaluated 2026-02-02.

Conditions:
Dilated cardiomyopathy 1HH (CMD1HH). Identifiers: Orphanet 154, MedGen C3151293, MONDO:0013479, OMIM 613881.
Myofibrillar myopathy 6. Identifiers: Orphanet 199340, MedGen C2751831, MONDO:0013061, OMIM 612954.

Allele frequency attached by ClinVar (database versions not stated): gnomAD exomes 0.00036 and 0.00076; ExAC 0.00092; gnomAD 0.00298 and 0.00317; 1000 Genomes Project 30x 0.00312; 1000 Genomes Project 0.00319; TOPMed 0.00325; ESP Exome Variant Server 0.00346.
gnomAD v4.1: 984 of 1,613,874 alleles (0.061%); highest among the groups gnomAD compares: African/African-American, 1%; 2 homozygotes.

Submissions (14):

Labcorp Genetics (formerly Invitae), Labcorp
Classification: Benign for Dilated cardiomyopathy 1HH; Myofibrillar myopathy 6. Last evaluated: 2026-02-02. Review status: criteria provided, single submitter. Criteria: Invitae Variant Classification Sherloc (09022015). Collection method: clinical testing. Allele origin: germline.

Molecular Diagnostic Laboratory for Inherited Cardiovascular Disease, Montreal Heart Institute
Classification: Benign. Last evaluated: 2025-04-09. Review status: criteria provided, single submitter. Criteria: ACMG Guidelines, 2015. Collection method: clinical testing. Allele origin: germline. Affected: no.

ARUP Laboratories, Molecular Genetics and Genomics, ARUP Laboratories
Classification: Benign. Last evaluated: 2025-03-21. Review status: criteria provided, single submitter. Criteria: ARUP Molecular Germline Variant Investigation Process 2024. Collection method: clinical testing. Allele origin: germline.

Blueprint Genetics
Classification: Likely benign. Last evaluated: 2024-08-21. Review status: criteria provided, single submitter. Criteria: ACMG Guidelines, 2015. Collection method: clinical testing. Allele origin: germline.

Mayo Clinic Laboratories, Mayo Clinic
Classification: Benign. Last evaluated: 2023-08-18. Review status: criteria provided, single submitter. Criteria: ACMG Guidelines, 2015. Collection method: clinical testing. Allele origin: germline. Observed: 6 variant alleles.
Comment: BS1, BS2, BP4, BP7

Women's Health and Genetics/Laboratory Corporation of America, LabCorp
Classification: Benign. Last evaluated: 2020-11-16. Review status: criteria provided, single submitter. Criteria: LabCorp Variant Classification Summary - May 2015. Collection method: clinical testing. Allele origin: germline.
Comment: Variant summary: BAG3 c.181-9T>A alters a non-conserved nucleotide located close to a canonical splice site and therefore could affect mRNA splicing, leading to a significantly altered protein sequence. 4/4 computational tools predict no significant impact on normal splicing. However, these predictions have yet to be confirmed by functional studies. The variant allele was found at a frequency of 0.00076 in 250886 control chromosomes, predominantly at a frequency of 0.0093 within the African or African-American subpopulation in the gnomAD database. The observed variant frequency within African or African-American control individuals in the gnomAD database is approximately 238 fold of the estimated maximal expected allele frequency for a pathogenic variant in BAG3 causing Dilated Cardiomyopathy phenotype (3.9e-05), strongly suggesting that the variant is a benign polymorphism found primarily in populations of African or African-American origin. To our knowledge, no occurrence of c.181-9T>A in individuals affected with Dilated Cardiomyopathy and no experimental evidence demonstrating its impact on protein function have been reported. Two clinical diagnostic laboratories have submitted clinical-significance assessments for this variant to ClinVar after 2014 without evidence for independent evaluation. Both laboratories classified the variant as benign. Based on the evidence outlined above, the variant was classified as benign.

Eurofins Ntd Llc (ga)
Classification: Benign. Last evaluated: 2016-12-29. Review status: criteria provided, single submitter. Criteria: EGL Classification Definitions 2015. Collection method: clinical testing. Allele origin: germline. Observed: 1 variant allele, 1 heterozygote.

GeneDx
Classification: Benign. Last evaluated: 2014-03-21. Review status: criteria provided, single submitter. Criteria: GeneDx Variant Classification (06012015). Collection method: clinical testing. Allele origin: germline. Affected: yes.
Comment: This variant is considered likely benign or benign based on one or more of the following criteria: it is a conservative change, it occurs at a poorly conserved position in the protein, it is predicted to be benign by multiple in silico algorithms, and/or has population frequency not consistent with disease.

Laboratory for Molecular Medicine, Mass General Brigham Personalized Medicine
Classification: Benign. Last evaluated: 2012-03-19. Review status: criteria provided, single submitter. Criteria: LMM Criteria. Collection method: clinical testing. Allele origin: germline. Observed: 1 variant allele.
Comment: c.181-9T>A in Intron 01 of BAG3: This variant is not expected to have clinical s ignificance because it has been identified in 1.0% (38/3738) of African American chromosomes from a broad population by the NHLBI Exome Sequencing Project (dbSNP rs139232658).

Clinical Genetics DNA and cytogenetics Diagnostics Lab, Erasmus MC, Erasmus Medical Center
Classification: Benign. Review status: no assertion criteria provided. Collection method: clinical testing. Allele origin: germline. Affected: yes. Study: VKGL Data-share Consensus. Not counted in ClinVar's aggregate classification.

Clinical Genetics, Academic Medical Center
Classification: Benign. Review status: no assertion criteria provided. Collection method: clinical testing. Allele origin: germline. Affected: yes. Study: VKGL Data-share Consensus. Not counted in ClinVar's aggregate classification.

Diagnostic Laboratory, Department of Genetics, University Medical Center Groningen
Classification: Likely benign. Review status: no assertion criteria provided. Collection method: clinical testing. Allele origin: germline. Affected: yes. Study: VKGL Data-share Consensus. Not counted in ClinVar's aggregate classification.

Genome Diagnostics Laboratory, University Medical Center Utrecht
Classification: Benign. Review status: no assertion criteria provided. Collection method: clinical testing. Allele origin: germline. Affected: yes. Study: VKGL Data-share Consensus. Not counted in ClinVar's aggregate classification.

Joint Genome Diagnostic Labs from Nijmegen and Maastricht, Radboudumc and MUMC+
Classification: Benign. Review status: no assertion criteria provided. Collection method: clinical testing. Allele origin: germline. Affected: yes. Study: VKGL Data-share Consensus. Not counted in ClinVar's aggregate classification.